The following is an entry in ClinVar:

NM_001395413.1(POR):c.1044del (p.Asn349fs)

Genes: POR (cytochrome p450 oxidoreductase; plus strand), LOC126860075 (CDK7 strongly-dependent group 2 enhancer GRCh37_chr7:75612087-75613286; plus strand). Cytogenetic location: 7q11.23.
Variant type: Deletion.
Coding change: c.1044del on transcript NM_001395413.1 (MANE Select); coding-DNA position 1044, one base deleted (G; older notation c.1044delG).
Protein change: p.Asn349fs; shifts the reading frame from asparagine 349.
Molecular consequence: frameshift variant.
Genome position (GRCh38, 1-based): chr7:75,983,843, G deleted. VCF-style (leftmost placement, unchanged base first): chr7-75983842-TG-T. GRCh37 (hg19) VCF-style: chr7-75613160-TG-T.
Other names: c.1053delG, p.Asn352Thrfs (NM_000941.2, NM_000941.3); c.1044del, p.Asn349fs (NM_001367562.3, NM_001382657.2, NM_001382658.3 and 2 more transcripts); c.1098del, p.Asn367fs (NM_001382655.3); short protein forms N349fs, N367fs.
Identifiers: ClinVar variation 2730681 (VCV002730681.4), dbSNP rs782024141, ClinGen allele CA4303953.

ClinVar aggregate classification (germline): Pathogenic/Likely pathogenic. Review status: criteria provided, multiple submitters, no conflicts (2 of 4 stars). 2 submissions from 2 submitters: Pathogenic (1); Likely pathogenic (1). Last evaluated 2025-12-06.

Conditions:
Congenital adrenal hyperplasia due to cytochrome P450 oxidoreductase deficiency. Also called: DISORDERED STEROIDOGENESIS DUE TO POR DEFICIENCY. Identifiers: Orphanet 95699, MedGen C1860042, MONDO:0013310, OMIM 613571.

Allele frequency attached by ClinVar (database versions not stated): ExAC 0.00001; gnomAD 0.00001; gnomAD exomes 0.00001; TOPMed 0.00001.

Submissions (2):

Labcorp Genetics (formerly Invitae), Labcorp
Classification: Pathogenic for Congenital adrenal hyperplasia due to cytochrome P450 oxidoreductase deficiency. Last evaluated: 2025-12-06. Review status: criteria provided, single submitter. Criteria: Invitae Variant Classification Sherloc (09022015). Collection method: clinical testing. Allele origin: germline.
Comment: This sequence change creates a premature translational stop signal (p.Asn352Thrfs*69) in the POR gene. It is expected to result in an absent or disrupted protein product. Loss-of-function variants in POR are known to be pathogenic (PMID: 14758361, 20732302, 21741353). This variant is present in population databases (rs782024141, gnomAD 0.004%). This variant has not been reported in the literature in individuals affected with POR-related conditions. ClinVar contains an entry for this variant (Variation ID: 2730681). For these reasons, this variant has been classified as Pathogenic.

Centre for Clinical Genetics and Genomic Diagnostics, Zealand University Hospital
Classification: Likely pathogenic. Last evaluated: 2025-09-12. Review status: criteria provided, single submitter. Criteria: ACMG Guidelines, 2015. Collection method: clinical testing. Allele origin: germline.

Literature cited by the submitters: PubMed 14758361 (cited by Labcorp Genetics (formerly Invitae), Labcorp); PubMed 20732302 (cited by Labcorp Genetics (formerly Invitae), Labcorp); PubMed 21741353 (cited by Labcorp Genetics (formerly Invitae), Labcorp).